The following is an entry in ClinVar:

ClinVar aggregate classification (germline): Likely benign. Review status: criteria provided, multiple submitters, no conflicts (2 of 4 stars). 2 submissions from 2 submitters: Likely benign (2). Last evaluated 2025-09-28.

Conditions:
Hereditary angioedema type 1 (HAE1). Identifiers: Orphanet 100050, Orphanet 100051, Orphanet 91378, MedGen C2717906, MONDO:0015053, OMIM 106100.

Allele frequency attached by ClinVar (database versions not stated): gnomAD exomes 0.00007 and 0.00012; gnomAD 0.00003 and 0.00004; TOPMed 0.00008; ExAC 0.00013.
gnomAD v4.1: 116 of 1,614,042 alleles (0.0072%); highest among the groups gnomAD compares: Middle Eastern, 0.049%; no homozygotes.

Submissions (2):

Labcorp Genetics (formerly Invitae), Labcorp
Classification: Likely benign. Last evaluated: 2025-09-28. Review status: criteria provided, single submitter. Criteria: Invitae Variant Classification Sherloc (09022015). Collection method: clinical testing. Allele origin: germline.

Illumina Laboratory Services, Illumina
Classification: Likely benign for Hereditary angioedema type 1. Last evaluated: 2018-01-12. Review status: criteria provided, single submitter. Criteria: ICSL Variant Classification Criteria 13 December 2019. Collection method: clinical testing. Allele origin: germline.
Comment: This variant was observed in the ICSL laboratory as part of a predisposition screen in an ostensibly healthy population. It had not been previously curated by ICSL or reported in the Human Gene Mutation Database (HGMD: prior to June 1st, 2018), and was therefore a candidate for classification through an automated scoring system. Utilizing variant allele frequency, disease prevalence and penetrance estimates, and inheritance mode, an automated score was calculated to assess if this variant is too frequent to cause the disease. Based on the score and internal cut-off values, a variant classified as likely benign is not then subjected to further curation. The score for this variant resulted in a classification of likely benign for this disease.

NM_000062.3(SERPING1):c.169G>A (p.Glu57Lys)

Gene: SERPING1 (serpin family G member 1; plus strand). Cytogenetic location: 11q12.1.
Variant type: single nucleotide variant.
Coding change: c.169G>A on transcript NM_000062.3 (MANE Select); coding-DNA position 169, G replaced by A.
Protein change: p.Glu57Lys; replaces glutamic acid 57 with lysine.
Molecular consequence: missense variant.
Genome position (GRCh38, 1-based): chr11:57,599,996, G>A. VCF-style: chr11-57599996-G-A. GRCh37 (hg19) VCF-style: chr11-57367469-G-A.
Other names: c.169G>A, p.Glu57Lys (NM_001032295.2); short protein forms E57K.
Identifiers: ClinVar variation 879578 (VCV000879578.12), dbSNP rs752993036, ClinGen allele CA6007989.
Genomic context (GRCh38, chr11:57,599,996, plus strand): 5'-TTGCAAGACAGAGGCGAAGGGAAGGTCGCAACAACAGTTATCTCCAAGATGCTATTCGTT[G>A]AACCCATCCTGGAGGTTTCCAGCTTGCCGACAACCAACTCAACAACCAATTCAGCCACCA-3'
Protein context (NP_000053.2, residues 47-67): TTVISKMLFV[Glu57Lys]PILEVSSLPT